The following is an entry in ClinVar:

ClinVar aggregate classification (germline): Pathogenic/Likely pathogenic. Review status: criteria provided, multiple submitters, no conflicts (2 of 4 stars). 2 submissions from 2 submitters: Pathogenic (1); Likely pathogenic (1). Last evaluated 2026-02-05.

Conditions:
GRIA2-related disorder. Also called: GRIA2-related condition.

Submissions (2):

PreventionGenetics, part of Exact Sciences
Classification: Pathogenic for GRIA2-related condition. Last evaluated: 2026-02-05. Review status: criteria provided, single submitter. Criteria: ACMG Guidelines, 2015. Collection method: clinical testing. Allele origin: germline.
Comment: The GRIA2 c.1932C>G variant is predicted to result in the amino acid substitution p.Phe644Leu. This variant has been reported as de novo in two individuals with neurodevelopmental disorder with language and behavioral impairment (Salpietro et al. 2019. PubMed ID: 31300657; Vijayaraghavan et al. 2023. PubMed ID: 37635778). This variant has not been reported in a large population database (gnomAD), indicating this variant is rare. This variant is interpreted as pathogenic.

GeneDx
Classification: Likely pathogenic. Last evaluated: 2023-11-08. Review status: criteria provided, single submitter. Criteria: GeneDx Variant Classification Process June 2021. Collection method: clinical testing. Allele origin: germline. Affected: yes.
Comment: Not observed at significant frequency in large population cohorts (gnomAD); In silico analysis supports that this missense variant has a deleterious effect on protein structure/function; This variant is associated with the following publications: (PMID: 31300657)

NM_001083619.3(GRIA2):c.1932C>G (p.Phe644Leu)

Gene: GRIA2 (glutamate ionotropic receptor AMPA type subunit 2; plus strand). Cytogenetic location: 4q32.1.
Variant type: single nucleotide variant.
Coding change: c.1932C>G on transcript NM_001083619.3 (MANE Select); coding-DNA position 1932, C replaced by G.
Protein change: p.Phe644Leu; replaces phenylalanine 644 with leucine.
Molecular consequence: missense variant.
Genome position (GRCh38, 1-based): chr4:157,341,351, C>G. VCF-style: chr4-157341351-C-G. GRCh37 (hg19) VCF-style: chr4-158262503-C-G.
Other names: c.1932C>G, p.Phe644Leu (NM_000826.6); c.1791C>G, p.Phe597Leu (NM_001083620.3, NM_001379000.3, NM_001379001.3); c.1932C>G (NM_000826.3); short protein forms F597L, F644L.
Identifiers: ClinVar variation 3363569 (VCV003363569.2).